The following is an entry in ClinVar:

NM_024818.6(UBA5):c.1111G>A (p.Ala371Thr)

Genes: NPHP3-ACAD11 (NPHP3-ACAD11 readthrough (NMD candidate); minus strand), UBA5 (ubiquitin like modifier activating enzyme 5; plus strand). Cytogenetic location: 3q22.1.
Variant type: single nucleotide variant.
Coding change: c.1111G>A on transcript NM_024818.6 (MANE Select); coding-DNA position 1111, G replaced by A.
Protein change: p.Ala371Thr; replaces alanine 371 with threonine.
Molecular consequence: missense variant.
Genome position (GRCh38, 1-based): chr3:132,675,903, G>A. VCF-style: chr3-132675903-G-A. GRCh37 (hg19) VCF-style: chr3-132394747-G-A.
Other names: c.943G>A, p.Ala315Thr (NM_001320210.2, NM_198329.4); c.841G>A, p.Ala281Thr (NM_001321238.2); c.775G>A, p.Ala259Thr (NM_001321239.1); short protein forms A371T, A315T, A259T, A281T.
Identifiers: ClinVar variation 265745 (VCV000265745.95), dbSNP rs114925667, ClinGen allele CA2621540.
Genomic context (GRCh38, chr3:132,675,903, plus strand): 5'-GAAGAGGAACTGAAAAATTTTTCAGGTCCAGTTCCAGACTTACCTGAAGGAATTACAGTG[G>A]CATACACAATTCCAAAAAAGGTACTTCAAAAATATGATTTACCCATATGTAAATATCATA-3'
Protein context (NP_079094.1, residues 361-381): VPDLPEGITV[Ala371Thr]YTIPKKQEDS

ClinVar aggregate classification (germline): Pathogenic/Likely pathogenic/Pathogenic, low penetrance. Review status: criteria provided, multiple submitters, no conflicts (2 of 4 stars). 33 submissions from 32 submitters: Pathogenic (26); Likely pathogenic (1); Pathogenic, low penetrance (1). 5 of the submissions do not count toward it. Last evaluated 2026-07-27.

Conditions:
UBA5-related disorder. Also called: UBA5-related disorders; UBA5-related condition.
Developmental and epileptic encephalopathy, 44 (DEE44). Also called: Epileptic encephalopathy, early infantile, 44. Identifiers: MedGen C4310700, MONDO:0014933, OMIM 617132.
Spinocerebellar ataxia, autosomal recessive 24 (SCAR24). Identifiers: MedGen C4310699, MONDO:0014934, OMIM 617133.
Inborn genetic diseases. Identifiers: MedGen C0950123, MeSH D030342.
Developmental and epileptic encephalopathy. Identifiers: MedGen C5779964, MONDO:0100620.
Intellectual disability. Also called: Intellectual functioning disability; intellectual disabilities; Intellectual developmental disorder. Identifiers: MedGen C3714756, MeSH D008607, MONDO:0001071, HP:0001249.

Allele frequency attached by ClinVar (database versions not stated): 1000 Genomes Project 0.00100; 1000 Genomes Project 30x 0.00109; TOPMed 0.00139; ESP Exome Variant Server 0.00154; gnomAD 0.00164 and 0.00169.
gnomAD v4.1: 4,316 of 1,601,206 alleles (0.27%); highest among the groups gnomAD compares: Non-Finnish European, 0.32%; 7 homozygotes.

Submissions 1 to 7 of 33:

Ambry Genetics
Classification: Pathogenic for Inborn genetic diseases. Last evaluated: 2026-07-27. Review status: criteria provided, single submitter. Criteria: Ambry Variant Classification Scheme 2023. Collection method: clinical testing. Allele origin: germline.
Comment: The c.1111G>A (p.A371T) alteration is located in exon 11 (coding exon 11) of the UBA5 gene. This alteration results from a G to A substitution at nucleotide position 1111, causing the alanine (A) at amino acid position 371 to be replaced by a threonine (T). Based on the available evidence, the UBA5 c.1111G>A (p.A371T) variant is classified as pathogenic; however, it is hypomorphic and only causes disease when occurring in trans with a more severe loss of function variant. In the homozygous state, this variant is not disease-causing. Based on data from gnomAD, the A allele has an overall frequency of 0.188% (517/274744) total alleles studied. The highest observed frequency was 0.596% (149/24996) of European (Finnish) alleles. This variant has been identified in conjunction with other UBA5 variant(s) in individual(s) with features consistent with UBA5-related developmental and epileptic encephalopathy; in at least one instance, the variants were identified in trans (Colin, 2016; Muona, 2016). This amino acid position is highly conserved in available vertebrate species. In an assay testing UBA5 function, this variant showed a functionally abnormal result (Muona, 2016). The in silico prediction for this alteration is inconclusive. Based on the available evidence, this alteration is classified as pathogenic.

Labcorp Genetics (formerly Invitae), Labcorp
Classification: Pathogenic, low penetrance. Last evaluated: 2026-02-03. Review status: criteria provided, single submitter. Criteria: Invitae Variant Classification Sherloc (09022015). Collection method: clinical testing. Allele origin: germline.
Comment: This sequence change replaces alanine, which is neutral and non-polar, with threonine, which is neutral and polar, at codon 371 of the UBA5 protein (p.Ala371Thr). This variant is present in population databases (rs114925667, gnomAD 0.6%), and has an allele count higher than expected for a pathogenic variant. This missense change has been observed in individual(s) with UBA5-related epileptic encephalopathy (PMID: 27545674, 27545681, 28965491, 29286531). In at least one individual the data is consistent with being in trans (on the opposite chromosome) from a pathogenic variant. It has also been observed to segregate with disease in related individuals. This missense change has been observed to be homozygous, hemizygous or homoplasmic in an individual who did not have the expected clinical features for that genetic result (PMID: 27545681, 28965491). ClinVar contains an entry for this variant (Variation ID: 265745). An algorithm developed to predict the effect of missense changes on protein structure and function (PolyPhen-2) suggests that this variant is likely to be disruptive. Experimental studies have shown that this missense change affects UBA5 function (PMID: 27545674, 27545681). In summary, this variant has been reported as a hypomorphic variant that partially decreases UBA5 protein function. This variant causes UBA5-related epileptic encephalopathy when in trans from a null variant; however, homozygous individuals appear to be clinically unaffected. For these reasons, this variant has been classified as Pathogenic (low penetrance).

Mayo Clinic Laboratories, Mayo Clinic
Classification: Pathogenic. Last evaluated: 2025-12-17. Review status: criteria provided, single submitter. Criteria: ACMG Guidelines, 2015. Collection method: clinical testing. Allele origin: germline. Observed: 2 variant alleles.
Comment: PP1_strong, PP3, PM3_very_strong, PS3

CeGaT Center for Human Genetics Tuebingen
Classification: Pathogenic. Last evaluated: 2025-10-01. Review status: criteria provided, single submitter. Criteria: CeGaT Center For Human Genetics Tuebingen Variant Classification Criteria Version 2. Collection method: clinical testing. Allele origin: germline. Affected: yes. Observed: 6 variant alleles.
Comment: UBA5: PM3:Very Strong, PP1:Strong, PM2:Supporting, PS3:Supporting

PreventionGenetics, part of Exact Sciences
Classification: Likely pathogenic for UBA5-related condition. Last evaluated: 2025-09-09. Review status: criteria provided, single submitter. Criteria: ACMG Guidelines, 2015. Collection method: clinical testing. Allele origin: germline.
Comment: The UBA5 c.1111G>A variant is predicted to result in the amino acid substitution p.Ala371Thr. This variant has been reported in the compound heterozygous state, segregating with autosomal recessive early infantile epileptic encephalopathy in several patients (Muona et al. 2016. PubMed ID: 27545674; Colin et al. 2016. PubMed ID: 27545681; Arnadottir et al. 2017. PubMed ID: 28965491; Tumienė et al. 2017. PubMed ID: 29286531). This variant was also reported in the homozygous state in three Icelandic individuals who had no signs of neurological disease, suggesting that p.Ala371Thr acts as a hypomorphic variant (Arnadottir et al. 2017. PubMed ID: 28965491). This variant is interpreted as likely pathogenic.

Victorian Clinical Genetics Services, Murdoch Childrens Research Institute
Classification: Pathogenic for Developmental and epileptic encephalopathy, 44. Last evaluated: 2025-08-14. Review status: criteria provided, single submitter. Criteria: ACMG Guidelines, 2015. Collection method: clinical testing. Allele origin: germline. Affected: yes.
Comment: This variant is classified as Pathogenic. Evidence in support of pathogenic classification: Variant is present in gnomAD <0.01 for a recessive condition (v4: 4302 heterozygote(s), 7 homozygote(s)); This variant has strong previous evidence of pathogenicity in unrelated individuals. This variant has been classified as pathogenic or likely pathogenic by multiple clinical laboratories, and consistently reported in a compound heterozygous state in individuals with early-onset epileptic encephalopathy. This variant is considered hypomorphic because individuals who are homozygous for this variant are not affected (ClinVar, DECIPHER, PMID: 27545681, 27545674); This variant has moderate functional evidence supporting abnormal protein function. This variant has been functionally established as a hypomorphic allele, resulting in a modest reduction in enzyme activity (PMID: 27545681, 27545674). Additional information: Variant is predicted to result in a missense amino acid change from alanine to threonine; This variant is heterozygous; This gene is associated with autosomal recessive disease; Variant is located in the annotated transthiolation domain (PMID: 27545674); Loss of function is a known mechanism of disease in this gene and is associated with developmental and epileptic encephalopathy 44 (MIM#617132).

First Genomix Gene Laboratory, Genetic Diagnostics Department
Classification: Pathogenic for Spinocerebellar ataxia, autosomal recessive 24; Developmental and epileptic encephalopathy, 44. Last evaluated: 2025-07-18. Review status: criteria provided, single submitter. Criteria: ACMG Guidelines, 2015. Collection method: clinical testing. Allele origin: germline. Inheritance: Autosomal recessive inheritance. Affected: no. Observed: 1 variant allele.